The following is an entry in ClinVar:

ClinVar aggregate classification (germline): Uncertain significance (1 of 4 stars; one submission).

Conditions:
Autosomal dominant limb-girdle muscular dystrophy type 1G (LGMDD3). Also called: Limb-girdle muscular dystrophy, type 1G; MUSCULAR DYSTROPHY, LIMB-GIRDLE, AUTOSOMAL DOMINANT 3. Identifiers: Orphanet 55596, MedGen C1836765, MONDO:0012193, OMIM 609115.

Submission:

Labcorp Genetics (formerly Invitae), Labcorp
Classification: Uncertain significance for Autosomal dominant limb-girdle muscular dystrophy type 1G. Last evaluated: 2021-07-07. Review status: criteria provided, single submitter. Criteria: Invitae Variant Classification Sherloc (09022015). Collection method: clinical testing. Allele origin: germline.
Comment: Algorithms developed to predict the effect of missense changes on protein structure and function are either unavailable or do not agree on the potential impact of this missense change (SIFT: "Deleterious"; PolyPhen-2: "Possibly Damaging"; Align-GVGD: "Class C0"). This variant has not been reported in the literature in individuals affected with HNRNPDL-related conditions. This variant is not present in population databases (ExAC no frequency). This sequence change replaces proline with alanine at codon 83 of the HNRNPDL protein (p.Pro83Ala). The proline residue is moderately conserved and there is a small physicochemical difference between proline and alanine. In summary, the available evidence is currently insufficient to determine the role of this variant in disease. Therefore, it has been classified as a Variant of Uncertain Significance.

NM_031372.4(HNRNPDL):c.247C>G (p.Pro83Ala)

Gene: HNRNPDL (heterogeneous nuclear ribonucleoprotein D like; minus strand). Cytogenetic location: 4q21.22.
Variant type: single nucleotide variant.
Coding change: c.247C>G on transcript NM_031372.4 (MANE Select); coding-DNA position 247, C replaced by G.
Protein change: p.Pro83Ala; replaces proline 83 with alanine.
Molecular consequence: missense variant. On other transcripts: non-coding transcript variant (1).
Genome position (GRCh38, 1-based): chr4:82,429,444, G>C on the plus strand (C>G on the coding strand, the complement: HNRNPDL is on the minus strand). VCF-style: chr4-82429444-G-C. GRCh37 (hg19) VCF-style: chr4-83350597-G-C.
Other names: c.247C>G, p.Pro83Ala (NM_001207000.1); short protein forms P83A.
Identifiers: ClinVar variation 1366218 (VCV001366218.8), dbSNP rs571839198, ClinGen allele CA357172728.